The following is an entry in ClinVar:

NM_021625.5(TRPV4):c.2209-5C>T

Gene: TRPV4 (transient receptor potential cation channel subfamily V member 4; minus strand). Cytogenetic location: 12q24.11.
Variant type: single nucleotide variant.
Coding change: c.2209-5C>T on transcript NM_021625.5 (MANE Select); 5 bases into the intron before coding-DNA position 2209, C replaced by T.
Molecular consequence: intron variant.
Genome position (GRCh38, 1-based): chr12:109,786,842, G>A on the plus strand (C>T on the coding strand, the complement: TRPV4 is on the minus strand). VCF-style: chr12-109786842-G-A. GRCh37 (hg19) VCF-style: chr12-110224647-G-A.
Other names: c.1888-5C>T (NM_001177433.1); c.2068-5C>T (NM_001177428.1); c.2029-5C>T (NM_147204.2); c.2107-5C>T (NM_001177431.1).
Identifiers: ClinVar variation 509529 (VCV000509529.12), dbSNP rs374184761, ClinGen allele CA6779986.

ClinVar aggregate classification (germline): Likely benign. Review status: criteria provided, multiple submitters, no conflicts (2 of 4 stars). 4 submissions from 4 submitters: Likely benign (4). Last evaluated 2026-04-25.

Conditions:
TRPV4-related disorder. Also called: TRPV4-related disorders; TRPV4-related condition.
Inborn genetic diseases. Identifiers: MedGen C0950123, MeSH D030342.
Charcot-Marie-Tooth disease axonal type 2C (HMSN2C). Also called: CHARCOT-MARIE-TOOTH DISEASE, AXONAL, AUTOSOMAL DOMINANT, TYPE 2C; Charcot-Marie-Tooth Neuropathy Type 2C; Charcot-Marie-Tooth Disease Type 2, TRPV4-Related (CMT2C). Identifiers: Orphanet 99937, MedGen C1853710, MONDO:0011633, OMIM 606071.

Allele frequency attached by ClinVar (database versions not stated): ESP Exome Variant Server 0.00023; TOPMed 0.00023; ExAC 0.00006; gnomAD 0.00019; 1000 Genomes Project 30x 0.00047; gnomAD exomes 0.00005; 1000 Genomes Project 0.00020.
gnomAD v4.1: 49 of 1,613,810 alleles (0.003%); highest among the groups gnomAD compares: African/African-American, 0.055%; no homozygotes.

Submissions (4):

PreventionGenetics, part of Exact Sciences
Classification: Likely benign for TRPV4-related condition. Last evaluated: 2026-04-25. Review status: criteria provided, single submitter. Criteria: ACMG Guidelines, 2015. Collection method: clinical testing. Allele origin: germline.
Comment: This variant is classified as likely benign based on ACMG/AMP sequence variant interpretation guidelines (Richards et al. 2015 PMID: 25741868, with internal and published modifications).

Labcorp Genetics (formerly Invitae), Labcorp
Classification: Likely benign for Charcot-Marie-Tooth disease axonal type 2C. Last evaluated: 2024-12-02. Review status: criteria provided, single submitter. Criteria: Invitae Variant Classification Sherloc (09022015). Collection method: clinical testing. Allele origin: germline.

Ambry Genetics
Classification: Likely benign for Inborn genetic diseases. Last evaluated: 2022-09-22. Review status: criteria provided, single submitter. Criteria: Ambry Variant Classification Scheme 2023. Collection method: clinical testing. Allele origin: germline.

GeneDx
Classification: Likely benign. Last evaluated: 2017-05-11. Review status: criteria provided, single submitter. Criteria: GeneDx Variant Classification (06012015). Collection method: clinical testing. Allele origin: germline. Affected: yes.
Comment: This variant is considered likely benign or benign based on one or more of the following criteria: it is a conservative change, it occurs at a poorly conserved position in the protein, it is predicted to be benign by multiple in silico algorithms, and/or has population frequency not consistent with disease.